The following is an entry in ClinVar:

ClinVar aggregate classification (germline): Uncertain significance (1 of 4 stars; one submission).

Conditions:
Bloom syndrome (BLM). Also called: Bloom-Torre-Machacek syndrome. Identifiers: Orphanet 125, MedGen C0005859, MONDO:0008876, OMIM 210900.

Submission:

Labcorp Genetics (formerly Invitae), Labcorp
Classification: Uncertain significance for Bloom syndrome. Last evaluated: 2024-10-10. Review status: criteria provided, single submitter. Criteria: Invitae Variant Classification Sherloc (09022015). Collection method: clinical testing. Allele origin: germline.
Comment: This sequence change replaces glutamic acid, which is acidic and polar, with glutamine, which is neutral and polar, at codon 254 of the BLM protein (p.Glu254Gln). This variant is present in population databases (no rsID available, gnomAD 0.007%). This variant has not been reported in the literature in individuals affected with BLM-related conditions. ClinVar contains an entry for this variant (Variation ID: 1034618). An algorithm developed to predict the effect of missense changes on protein structure and function (PolyPhen-2) suggests that this variant is likely to be disruptive. In summary, the available evidence is currently insufficient to determine the role of this variant in disease. Therefore, it has been classified as a Variant of Uncertain Significance.

NM_000057.4(BLM):c.760G>C (p.Glu254Gln)

Gene: BLM (BLM RecQ like helicase; plus strand). Cytogenetic location: 15q26.1.
Variant type: single nucleotide variant.
Coding change: c.760G>C on transcript NM_000057.4 (MANE Select); coding-DNA position 760, G replaced by C.
Protein change: p.Glu254Gln; replaces glutamic acid 254 with glutamine.
Molecular consequence: missense variant. On other transcripts: 5 prime UTR variant (1).
Genome position (GRCh38, 1-based): chr15:90,750,028, G>C. VCF-style: chr15-90750028-G-C. GRCh37 (hg19) VCF-style: chr15-91293258-G-C.
Other names: c.760G>C, p.Glu254Gln (NM_001287246.2, NM_001287247.2); c.-532G>C (NM_001287248.2); short protein forms E254Q.
Identifiers: ClinVar variation 1034618 (VCV001034618.9), dbSNP rs181892828, ClinGen allele CA393841500.